The following is an entry in ClinVar:

ClinVar aggregate classification (germline): Uncertain significance (1 of 4 stars; one submission).

Conditions:
Hereditary cancer-predisposing syndrome. Also called: Tumor predisposition; Hereditary neoplastic syndrome; Neoplastic Syndromes, Hereditary; Hereditary Cancer Syndrome. Identifiers: Orphanet 140162, MedGen C0027672, MeSH D009386, MONDO:0015356.

Submission:

Ambry Genetics
Classification: Uncertain significance for Hereditary cancer-predisposing syndrome. Last evaluated: 2018-11-16. Review status: criteria provided, single submitter. Criteria: Ambry Variant Classification Scheme 2023. Collection method: clinical testing. Allele origin: germline.
Comment: The p.E340K variant (also known as c.1018G>A), located in coding exon 9 of the CHEK2 gene, results from a G to A substitution at nucleotide position 1018. The glutamic acid at codon 340 is replaced by lysine, an amino acid with similar properties. This amino acid position is well conserved in available vertebrate species. In addition, this alteration is predicted to be tolerated by in silico analysis. Since supporting evidence is limited at this time, the clinical significance of this alteration remains unclear.

NM_007194.4(CHEK2):c.1018G>A (p.Glu340Lys)

Gene: CHEK2 (checkpoint kinase 2; minus strand). Cytogenetic location: 22q12.1.
Variant type: single nucleotide variant.
Coding change: c.1018G>A on transcript NM_007194.4 (MANE Select); coding-DNA position 1018, G replaced by A.
Protein change: p.Glu340Lys; replaces glutamic acid 340 with lysine.
Molecular consequence: missense variant. On other transcripts: intron variant (3).
Genome position (GRCh38, 1-based): chr22:28,696,978, C>T on the plus strand (G>A on the coding strand, the complement: CHEK2 is on the minus strand). VCF-style: chr22-28696978-C-T. GRCh37 (hg19) VCF-style: chr22-29092966-C-T.
Other names: c.1147G>A, p.Glu383Lys (NM_001005735.3); c.355G>A, p.Glu119Lys (NM_001257387.3, NM_001437942.1); c.817G>A, p.Glu273Lys (NM_001349956.3); c.1111G>A, p.Glu371Lys (NM_001438293.1); c.1009-1105G>A (NM_145862.3); c.1102-1105G>A (NM_001438295.1); c.1138-1105G>A (NM_001438294.1); short protein forms E340K, E119K, E273K, E383K, E371K.
Identifiers: ClinVar variation 818259 (VCV000818259.4), dbSNP rs1601727470, ClinGen allele CA411097818.